The following is an entry in ClinVar:

ClinVar aggregate classification (germline): Pathogenic/Likely pathogenic. Review status: criteria provided, multiple submitters, no conflicts (2 of 4 stars). 5 submissions from 5 submitters: Pathogenic (3); Likely pathogenic (2). Last evaluated 2022-09-01.

Conditions:
Spinocerebellar ataxia type 5 (SCA5). Identifiers: Orphanet 98766, MedGen C0752123, MONDO:0010848, OMIM 600224.

Submissions (5):

3billion
Classification: Pathogenic for Spinocerebellar ataxia type 5. Last evaluated: 2022-09-01. Review status: criteria provided, single submitter. Criteria: ACMG Guidelines, 2015. Collection method: clinical testing. Allele origin: germline. Affected: yes. Observed: 1 heterozygote.
Comment: The variant is not observed in the gnomAD v2.1.1 dataset. Missense changes are a common disease-causing mechanism. Same nucleotide change resulting in same amino acid change has been previously reported as pathogenic/likely pathogenic with strong evidence (ClinVar ID: VCV000546676). The variant has been previously reported as de novo in a similarly affected individual (PMID: 31066025). Different missense changes at the same codon (p.Arg437Gly, p.Arg437Trp) have been reported to be associated with SPTBN2-related disorder (ClinVar ID: VCV000928964 / PMID: 26633542 , 31066025). Therefore, this variant is classified as Pathogenic according to the recommendation of ACMG/AMP guideline.

GeneDx
Classification: Pathogenic. Last evaluated: 2022-03-02. Review status: criteria provided, single submitter. Criteria: GeneDx Variant Classification Process June 2021. Collection method: clinical testing. Allele origin: germline. Affected: yes.
Comment: Not observed in large population cohorts (gnomAD); In silico analysis, which includes protein predictors and evolutionary conservation, supports a deleterious effect; This variant is associated with the following publications: (PMID: 31066025, 31617442)

Institute of Medical Genetics and Applied Genomics, University Hospital Tübingen
Classification: Pathogenic. Last evaluated: 2021-06-17. Review status: criteria provided, single submitter. Criteria: ACMG Guidelines, 2015. Collection method: clinical testing. Allele origin: germline. Inheritance: Autosomal dominant inheritance. Affected: yes.

CeGaT Center for Human Genetics Tuebingen
Classification: Likely pathogenic. Last evaluated: 2018-01-01. Review status: criteria provided, single submitter. Criteria: CeGaT Center For Human Genetics Tuebingen Variant Classification Criteria Version 2. Collection method: clinical testing. Allele origin: germline. Affected: yes. Observed: 2 variant alleles.

Equipe Genetique des Anomalies du Developpement, Université de Bourgogne
Classification: Likely pathogenic for Spinocerebellar ataxia type 5. Last evaluated: 2017-10-11. Review status: criteria provided, single submitter. Criteria: ACMG Guidelines, 2015. Collection method: clinical testing. Allele origin: de novo. Affected: yes. Study: Clinvar_gadteam_Clinical_exome_analysis_3.

Literature cited by the submitters: PubMed 26633542 (cited by 3billion); PubMed 31066025 (cited by 3billion).

NM_006946.4(SPTBN2):c.1310G>A (p.Arg437Gln)

Gene: SPTBN2 (spectrin beta, non-erythrocytic 2; minus strand). Cytogenetic location: 11q13.2.
Variant type: single nucleotide variant.
Coding change: c.1310G>A on transcript NM_006946.4 (MANE Select); coding-DNA position 1310, G replaced by A.
Protein change: p.Arg437Gln; replaces arginine 437 with glutamine.
Molecular consequence: missense variant.
Genome position (GRCh38, 1-based): chr11:66,708,181, C>T on the plus strand (G>A on the coding strand, the complement: SPTBN2 is on the minus strand). VCF-style: chr11-66708181-C-T. GRCh37 (hg19) VCF-style: chr11-66475652-C-T.
Other names: short protein forms R437Q.
Identifiers: ClinVar variation 546676 (VCV000546676.48), dbSNP rs1554986337, ClinGen allele CA381481174.